The following is an entry in ClinVar:

ClinVar aggregate classification (germline): Uncertain significance (1 of 4 stars; one submission).

Conditions:
Long QT syndrome (LQTS). Identifiers: MedGen C0023976, MeSH D008133, MONDO:0002442. Disease mechanism: loss of function. Inheritance: Various modes of inheritance.

Submission:

Labcorp Genetics (formerly Invitae), Labcorp
Classification: Uncertain significance for Long QT syndrome. Last evaluated: 2024-10-30. Review status: criteria provided, single submitter. Criteria: Invitae Variant Classification Sherloc (09022015). Collection method: clinical testing. Allele origin: germline.
Comment: This sequence change falls in intron 18 of the CACNA1C gene. It does not directly change the encoded amino acid sequence of the CACNA1C protein. It affects a nucleotide within the consensus splice site. This variant is not present in population databases (gnomAD no frequency). This variant has not been reported in the literature in individuals affected with CACNA1C-related conditions. Variants that disrupt the consensus splice site are a relatively common cause of aberrant splicing (PMID: 17576681, 9536098). Algorithms developed to predict the effect of sequence changes on RNA splicing suggest that this variant is not likely to affect RNA splicing. In summary, the available evidence is currently insufficient to determine the role of this variant in disease. Therefore, it has been classified as a Variant of Uncertain Significance.

Literature cited by the submitters: PubMed 17576681; PubMed 9536098.

NM_000719.7(CACNA1C):c.2530+3A>G

Gene: CACNA1C (calcium voltage-gated channel subunit alpha1 C; plus strand). Cytogenetic location: 12p13.33.
Variant type: single nucleotide variant.
Coding change: c.2530+3A>G on transcript NM_000719.7 (MANE Select); 3 bases into the intron after coding-DNA position 2530, A replaced by G.
Molecular consequence: intron variant.
Genome position (GRCh38, 1-based): chr12:2,585,907, A>G. VCF-style: chr12-2585907-A-G. GRCh37 (hg19) VCF-style: chr12-2695073-A-G.
Other names: c.2530+3A>G (NM_001167624.3, NM_001167623.2, NM_001167625.2 and 18 more transcripts); c.2521+3A>G (NM_001129844.2).
Identifiers: ClinVar variation 3611810 (VCV003611810.2).